The following is an entry in ClinVar:

ClinVar aggregate classification (germline): Uncertain significance. Review status: criteria provided, multiple submitters, no conflicts (2 of 4 stars). 2 submissions from 2 submitters: Uncertain significance (2). Last evaluated 2024-11-19.

Conditions:
Inborn genetic diseases. Identifiers: MedGen C0950123, MeSH D030342.

Allele frequency attached by ClinVar (database versions not stated): gnomAD exomes below 0.00001; ExAC 0.00002; gnomAD 0.00002; TOPMed 0.00002; ESP Exome Variant Server 0.00008.

Submissions (2):

Labcorp Genetics (formerly Invitae), Labcorp
Classification: Uncertain significance. Last evaluated: 2024-11-19. Review status: criteria provided, single submitter. Criteria: Invitae Variant Classification Sherloc (09022015). Collection method: clinical testing. Allele origin: germline.
Comment: This sequence change replaces alanine, which is neutral and non-polar, with valine, which is neutral and non-polar, at codon 2424 of the LAMA5 protein (p.Ala2424Val). The frequency data for this variant in the population databases is considered unreliable, as metrics indicate poor data quality at this position in the gnomAD database. This variant has not been reported in the literature in individuals affected with LAMA5-related conditions. ClinVar contains an entry for this variant (Variation ID: 2363755). Invitae Evidence Modeling of protein sequence and biophysical properties (such as structural, functional, and spatial information, amino acid conservation, physicochemical variation, residue mobility, and thermodynamic stability) indicates that this missense variant is not expected to disrupt LAMA5 protein function with a negative predictive value of 80%. In summary, the available evidence is currently insufficient to determine the role of this variant in disease. Therefore, it has been classified as a Variant of Uncertain Significance.

Ambry Genetics
Classification: Uncertain significance for Inborn genetic diseases. Last evaluated: 2024-05-07. Review status: criteria provided, single submitter. Criteria: Ambry Variant Classification Scheme 2023. Collection method: clinical testing. Allele origin: germline.

NM_005560.6(LAMA5):c.7271C>T (p.Ala2424Val)

Gene: LAMA5 (laminin subunit alpha 5; minus strand). Cytogenetic location: 20q13.33.
Variant type: single nucleotide variant.
Coding change: c.7271C>T on transcript NM_005560.6 (MANE Select); coding-DNA position 7271, C replaced by T.
Protein change: p.Ala2424Val; replaces alanine 2424 with valine.
Molecular consequence: missense variant.
Genome position (GRCh38, 1-based): chr20:62,317,747, G>A on the plus strand (C>T on the coding strand, the complement: LAMA5 is on the minus strand). VCF-style: chr20-62317747-G-A. GRCh37 (hg19) VCF-style: chr20-60892803-G-A.
Other names: short protein forms A2424V.
Identifiers: ClinVar variation 2363755 (VCV002363755.6), dbSNP rs370618912, ClinGen allele CA9941313.